The following is an entry in ClinVar:

NM_004694.5(SLC16A6):c.78G>A (p.Ala26=)

Genes: ARSG (arylsulfatase G; plus strand), SLC16A6 (solute carrier family 16 member 6; minus strand). Cytogenetic location: 17q24.2.
Variant type: single nucleotide variant.
Coding change: c.78G>A on transcript NM_004694.5 (MANE Select); coding-DNA position 78, G replaced by A.
Protein change: p.Ala26=; no amino-acid change (alanine 26 retained).
Molecular consequence: synonymous variant. On other transcripts: intron variant (3).
Genome position (GRCh38, 1-based): chr17:68,278,243, C>T on the plus strand (G>A on the coding strand, the complement: SLC16A6 is on the minus strand). VCF-style: chr17-68278243-C-T. GRCh37 (hg19) VCF-style: chr17-66274384-C-T.
Other names: c.78G>A, p.Ala26= (NM_001174166.2); c.-552+18817C>T (NM_001352904.2, NM_014960.5, NM_001352903.2).
Identifiers: ClinVar variation 4533570 (VCV004533570.6).

ClinVar aggregate classification (germline): Likely benign (1 of 4 stars; one submission).

gnomAD v4.1: 3,636 of 1,614,158 alleles (0.23%); highest among the groups gnomAD compares: Non-Finnish European, 0.29%; 9 homozygotes.

Submission:

CeGaT Center for Human Genetics Tuebingen
Classification: Likely benign. Last evaluated: 2026-09-01. Review status: criteria provided, single submitter. Criteria: CeGaT Center For Human Genetics Tuebingen Variant Classification Criteria Version 2. Collection method: clinical testing. Allele origin: germline. Affected: yes. Observed: 2 variant alleles.
Comment: SLC16A6: BP4, BP7